The following is an entry in ClinVar:

NM_000059.4(BRCA2):c.9719T>G (p.Val3240Gly)

Gene: BRCA2 (BRCA2 DNA repair associated; plus strand). Cytogenetic location: 13q13.1.
Variant type: single nucleotide variant.
Coding change: c.9719T>G on transcript NM_000059.4 (MANE Select); coding-DNA position 9719, T replaced by G.
Protein change: p.Val3240Gly; replaces valine 3240 with glycine.
Molecular consequence: missense variant.
Genome position (GRCh38, 1-based): chr13:32,398,232, T>G. VCF-style: chr13-32398232-T-G. GRCh37 (hg19) VCF-style: chr13-32972369-T-G.
Other names: short protein forms V3240G.
Identifiers: ClinVar variation 617997 (VCV000617997.13), dbSNP rs1566260882, ClinGen allele CA387765478.

ClinVar aggregate classification (germline): Uncertain significance. Review status: criteria provided, multiple submitters, no conflicts (2 of 4 stars). 2 submissions from 2 submitters: Uncertain significance (2). Last evaluated 2021-11-12.

Conditions:
Hereditary breast ovarian cancer syndrome. Also called: Hereditary breast and ovarian cancer; Hereditary breast and ovarian cancer syndrome (HBOC); Breast and ovarian cancer; BRCA1- and BRCA2-Associated Hereditary Breast and Ovarian Cancer; Hereditary breast and/or ovarian cancer syndrome; Hereditary breast and ovarian cancer syndrome. Identifiers: Orphanet 145, MedGen C0677776, MeSH D061325, MONDO:0003582. Disease mechanism: loss of function.

Submissions (2):

Labcorp Genetics (formerly Invitae), Labcorp
Classification: Uncertain significance for Hereditary breast ovarian cancer syndrome. Last evaluated: 2021-11-12. Review status: criteria provided, single submitter. Criteria: Invitae Variant Classification Sherloc (09022015). Collection method: clinical testing. Allele origin: germline.
Comment: This sequence change replaces valine, which is neutral and non-polar, with glycine, which is neutral and non-polar, at codon 3240 of the BRCA2 protein (p.Val3240Gly). This variant is not present in population databases (gnomAD no frequency). This variant has not been reported in the literature in individuals affected with BRCA2-related conditions. ClinVar contains an entry for this variant (Variation ID: 617997). Advanced modeling of protein sequence and biophysical properties (such as structural, functional, and spatial information, amino acid conservation, physicochemical variation, residue mobility, and thermodynamic stability) performed at Invitae indicates that this missense variant is not expected to disrupt BRCA2 protein function. In summary, the available evidence is currently insufficient to determine the role of this variant in disease. Therefore, it has been classified as a Variant of Uncertain Significance.

ARUP Laboratories, Molecular Genetics and Genomics, ARUP Laboratories
Classification: Uncertain significance. Last evaluated: 2017-12-01. Review status: criteria provided, single submitter. Criteria: ARUP Molecular Germline Variant Investigation Process. Collection method: clinical testing. Allele origin: germline.